The following is an entry in ClinVar:

ClinVar aggregate classification (germline): Benign (1 of 4 stars; one submission).

Conditions:
Platelet-type bleeding disorder 9 (BDPLT9). Also called: GLYCOPROTEIN Ia DEFICIENCY; GP Ia DEFICIENCY; COLLAGEN PLATELET RECEPTOR DEFICIENCY. Identifiers: Orphanet 73271, Orphanet 98886, MedGen C3280114, MONDO:0013622, OMIM 614200.

Allele frequency attached by ClinVar (database versions not stated): gnomAD 0.00001 and 0.00010; TOPMed 0.00002; 1000 Genomes Project 30x 0.00078; 1000 Genomes Project 0.00080.

Submission:

Illumina Laboratory Services, Illumina
Classification: Benign for Platelet-type bleeding disorder 9. Last evaluated: 2018-01-13. Review status: criteria provided, single submitter. Criteria: ICSL Variant Classification Criteria 13 December 2019. Collection method: clinical testing. Allele origin: germline.
Comment: This variant was observed in the ICSL laboratory as part of a predisposition screen in an ostensibly healthy population. It had not been previously curated by ICSL or reported in the Human Gene Mutation Database (HGMD: prior to June 1st, 2018), and was therefore a candidate for classification through an automated scoring system. Utilizing variant allele frequency, disease prevalence and penetrance estimates, and inheritance mode, an automated score was calculated to assess if this variant is too frequent to cause the disease. Based on the score and internal cut-off values, a variant classified as benign is not then subjected to further curation. The score for this variant resulted in a classification of benign for this disease.

NM_002203.4(ITGA2):c.*1825T>C

Gene: ITGA2 (integrin subunit alpha 2; plus strand). Cytogenetic location: 5q11.2.
Variant type: single nucleotide variant.
Coding change: c.*1825T>C on transcript NM_002203.4 (MANE Select); 1825 bases downstream of the stop codon, T replaced by C.
Molecular consequence: 3 prime UTR variant. On other transcripts: non-coding transcript variant (5).
Genome position (GRCh38, 1-based): chr5:53,092,424, T>C. VCF-style: chr5-53092424-T-C. GRCh37 (hg19) VCF-style: chr5-52388254-T-C.
Identifiers: ClinVar variation 353811 (VCV000353811.5), dbSNP rs570965140, ClinGen allele CA10624685.